The following is an entry in ClinVar:

ClinVar aggregate classification (germline): Likely pathogenic (1 of 4 stars; one submission).

Allele frequency attached by ClinVar (database versions not stated): ExAC 0.00001; gnomAD 0.00001; TOPMed 0.00001.
gnomAD v4.1: 1 of 1,613,336 alleles (0.000062%); highest among the groups gnomAD compares: Non-Finnish European, 0.000085%; no homozygotes.

Submission:

Labcorp Genetics (formerly Invitae), Labcorp
Classification: Likely pathogenic. Last evaluated: 2024-03-21. Review status: criteria provided, single submitter. Criteria: Invitae Variant Classification Sherloc (09022015). Collection method: clinical testing. Allele origin: germline.
Comment: This sequence change affects a donor splice site in intron 28 of the CEP250 gene. It is expected to disrupt RNA splicing. Variants that disrupt the donor or acceptor splice site typically lead to a loss of protein function (PMID: 16199547), and loss-of-function variants in CEP250 are known to be pathogenic (PMID: 24780881, 29718797). This variant is present in population databases (rs761799414, gnomAD 0.0009%). This variant has not been reported in the literature in individuals affected with CEP250-related conditions. Algorithms developed to predict the effect of sequence changes on RNA splicing suggest that this variant may disrupt the consensus splice site. In summary, the currently available evidence indicates that the variant is pathogenic, but additional data are needed to prove that conclusively. Therefore, this variant has been classified as Likely Pathogenic.

Literature cited by the submitters: PubMed 16199547; PubMed 24780881; PubMed 29718797.

NM_007186.6(CEP250):c.3898+2T>C

Gene: CEP250 (centrosomal protein 250; plus strand). Cytogenetic location: 20q11.22.
Variant type: single nucleotide variant.
Coding change: c.3898+2T>C on transcript NM_007186.6 (MANE Select); the canonical splice donor site of the intron after coding-DNA position 3898, T replaced by C.
Molecular consequence: splice donor variant.
Genome position (GRCh38, 1-based): chr20:35,500,171, T>C. VCF-style: chr20-35500171-T-C. GRCh37 (hg19) VCF-style: chr20-34088000-T-C.
Other names: c.2002+2T>C (NM_001318219.1).
Identifiers: ClinVar variation 2792555 (VCV002792555.3), dbSNP rs761799414, ClinGen allele CA9833590.